The following is an entry in ClinVar:

ClinVar aggregate classification (germline): Uncertain significance (1 of 4 stars; one submission).

Conditions:
Familial adenomatous polyposis 1 (FAP1). Also called: POLYPOSIS, ADENOMATOUS INTESTINAL; FAMILIAL ADENOMATOUS POLYPOSIS 1, ATTENUATED. Identifiers: MedGen C2713442, MONDO:0021056, OMIM 175100. Disease mechanism: loss of function.

Submission:

Labcorp Genetics (formerly Invitae), Labcorp
Classification: Uncertain significance for Familial adenomatous polyposis 1. Last evaluated: 2021-11-17. Review status: criteria provided, single submitter. Criteria: Invitae Variant Classification Sherloc (09022015). Collection method: clinical testing. Allele origin: germline.
Comment: In summary, the available evidence is currently insufficient to determine the role of this variant in disease. Therefore, it has been classified as a Variant of Uncertain Significance. Experimental studies and prediction algorithms are not available or were not evaluated, and the functional significance of this variant is currently unknown. This variant has not been reported in the literature in individuals affected with APC-related conditions. This variant is not present in population databases (gnomAD no frequency). This variant occurs in a non-coding region of the APC gene. It does not change the encoded amino acid sequence of the APC protein.

NC_000005.10:g.112707436C>T

Gene: APC (APC regulator of Wnt signaling pathway; plus strand). Cytogenetic location: 5q22.2.
Variant type: single nucleotide variant.
Genome position: GRCh38 VCF-style: chr5-112707436-C-T. GRCh37 (hg19) VCF-style: chr5-112043133-C-T.
Identifiers: ClinVar variation 1421299 (VCV001421299.6), dbSNP rs2149628721, ClinGen allele CA2573138761.